The following is an entry in ClinVar:

NM_001106.4(ACVR2B):c.*9471C>T

Gene: ACVR2B (activin A receptor type 2B; plus strand). Cytogenetic location: 3p22.2.
Variant type: single nucleotide variant.
Coding change: c.*9471C>T on transcript NM_001106.4 (MANE Select); 9471 bases downstream of the stop codon, C replaced by T.
Molecular consequence: 3 prime UTR variant.
Genome position (GRCh38, 1-based): chr3:38,492,803, C>T. VCF-style: chr3-38492803-C-T. GRCh37 (hg19) VCF-style: chr3-38534294-C-T.
Identifiers: ClinVar variation 345056 (VCV000345056.5), dbSNP rs6802919, ClinGen allele CA10618345.

ClinVar aggregate classification (germline): Benign (1 of 4 stars; one submission).

Conditions:
Heterotaxy, visceral, 4, autosomal (HTX4). Identifiers: Orphanet 450, MedGen C3151057, MONDO:0013403, OMIM 613751.

Allele frequency attached by ClinVar (database versions not stated): 1000 Genomes Project 0.05491; gnomAD 0.08862 and 0.09331.

Submission:

Illumina Laboratory Services, Illumina
Classification: Benign for Heterotaxy, visceral, 4, autosomal. Last evaluated: 2018-01-13. Review status: criteria provided, single submitter. Criteria: ICSL Variant Classification Criteria 13 December 2019. Collection method: clinical testing. Allele origin: germline.
Comment: This variant was observed in the ICSL laboratory as part of a predisposition screen in an ostensibly healthy population. It had not been previously curated by ICSL or reported in the Human Gene Mutation Database (HGMD: prior to June 1st, 2018), and was therefore a candidate for classification through an automated scoring system. Utilizing variant allele frequency, disease prevalence and penetrance estimates, and inheritance mode, an automated score was calculated to assess if this variant is too frequent to cause the disease. Based on the score and internal cut-off values, a variant classified as benign is not then subjected to further curation. The score for this variant resulted in a classification of benign for this disease.